The following is an entry in ClinVar:

NM_001374736.1(DST):c.19973C>G (p.Ser6658Ter)

Gene: DST (dystonin; minus strand). Cytogenetic location: 6p12.1.
Variant type: single nucleotide variant.
Coding change: c.19973C>G on transcript NM_001374736.1 (MANE Select); coding-DNA position 19973, C replaced by G.
Protein change: p.Ser6658Ter; replaces serine 6658 with a stop codon.
Molecular consequence: nonsense.
Genome position (GRCh38, 1-based): chr6:56,497,977, G>C on the plus strand (C>G on the coding strand, the complement: DST is on the minus strand). VCF-style: chr6-56497977-G-C. GRCh37 (hg19) VCF-style: chr6-56362775-G-C.
Other names: c.13616C>G, p.Ser4539Ter (NM_001144769.5); c.13202C>G, p.Ser4401Ter (NM_001144770.2); c.19973C>G, p.Ser6658Ter (NM_001374722.1); c.19013C>G, p.Ser6338Ter (NM_001374729.1); c.12755C>G, p.Ser4252Ter (NM_001374730.1); c.20000C>G, p.Ser6667Ter (NM_001374734.1); c.13082C>G, p.Ser4361Ter (NM_001386100.1, NM_183380.4); c.12104C>G, p.Ser4035Ter (NM_015548.5); short protein forms S4035*, S6667*, S4361*, S4539*, S4401*, S6338*, S6658*, S4252*.
Identifiers: ClinVar variation 2940425 (VCV002940425.3), dbSNP rs2095978390, ClinGen allele CA364519425.

ClinVar aggregate classification (germline): Pathogenic (1 of 4 stars; one submission).

Conditions:
Hereditary sensory and autonomic neuropathy type 6. Also called: HSAN VI; Neuropathy, hereditary sensory and autonomic, type VI. Identifiers: Orphanet 314381, MedGen C3539003, MONDO:0013839, OMIM 614653.
Epidermolysis bullosa simplex 3, localized or generalized intermediate, with BP230 deficiency (EBS3). Also called: Epidermolysis bullosa simplex due to BP230 deficiency; Epidermolysis bullosa simplex, autosomal recessive 2. Identifiers: Orphanet 412181, MedGen C3809470, MONDO:0014180, OMIM 615425.

Submission:

Labcorp Genetics (formerly Invitae), Labcorp
Classification: Pathogenic for Epidermolysis bullosa simplex 3, localized or generalized intermediate, with BP230 deficiency; Hereditary sensory and autonomic neuropathy type 6. Last evaluated: 2023-04-03. Review status: criteria provided, single submitter. Criteria: Invitae Variant Classification Sherloc (09022015). Collection method: clinical testing. Allele origin: germline.
Comment: This sequence change creates a premature translational stop signal (p.Ser4035*) in the DST gene. It is expected to result in an absent or disrupted protein product. Loss-of-function variants in DST are known to be pathogenic (PMID: 22522446, 25059916, 30371979). The DST gene has multiple clinically relevant transcripts. This variant occurs in alternate transcript NM_015548.4, and corresponds to NM_001723.5:c.*117540C>G in the primary transcript. For these reasons, this variant has been classified as Pathogenic. This variant has not been reported in the literature in individuals affected with DST-related conditions. This variant is not present in population databases (gnomAD no frequency).

Literature cited by the submitters: PubMed 22522446; PubMed 25059916; PubMed 30371979.